The following is an entry in ClinVar:

NM_005142.3(CBLIF):c.754A>T (p.Met252Leu)

Gene: CBLIF (cobalamin binding intrinsic factor; minus strand). Cytogenetic location: 11q12.1.
Variant type: single nucleotide variant.
Coding change: c.754A>T on transcript NM_005142.3 (MANE Select); coding-DNA position 754, A replaced by T.
Protein change: p.Met252Leu; replaces methionine 252 with leucine.
Molecular consequence: missense variant.
Genome position (GRCh38, 1-based): chr11:59,837,291, T>A on the plus strand (A>T on the coding strand, the complement: CBLIF is on the minus strand). VCF-style: chr11-59837291-T-A. GRCh37 (hg19) VCF-style: chr11-59604764-T-A.
Other names: short protein forms M252L.
Identifiers: ClinVar variation 1040504 (VCV001040504.5), dbSNP rs1866468089, ClinGen allele CA380803419.

ClinVar aggregate classification (germline): Uncertain significance (1 of 4 stars; one submission).

Conditions:
Hereditary intrinsic factor deficiency (IFD). Also called: PERNICIOUS ANEMIA, CONGENITAL, DUE TO DEFECT OF INTRINSIC FACTOR; Congenital intrinsic factor deficiency. Identifiers: Orphanet 332, MedGen C2062370, MONDO:0009852, OMIM 261000.

Submission:

Labcorp Genetics (formerly Invitae), Labcorp
Classification: Uncertain significance for Hereditary intrinsic factor deficiency. Last evaluated: 2020-01-31. Review status: criteria provided, single submitter. Criteria: Invitae Variant Classification Sherloc (09022015). Collection method: clinical testing. Allele origin: germline.
Comment: This variant has not been reported in the literature in individuals with GIF-related conditions. This variant is not present in population databases (ExAC no frequency). This sequence change replaces methionine with leucine at codon 252 of the GIF protein (p.Met252Leu). The methionine residue is weakly conserved and there is a small physicochemical difference between methionine and leucine. In summary, the available evidence is currently insufficient to determine the role of this variant in disease. Therefore, it has been classified as a Variant of Uncertain Significance. Algorithms developed to predict the effect of missense changes on protein structure and function (SIFT, PolyPhen-2, Align-GVGD) all suggest that this variant is likely to be tolerated, but these predictions have not been confirmed by published functional studies and their clinical significance is uncertain.